The following is an entry in ClinVar:

ClinVar aggregate classification (germline): Likely pathogenic (1 of 4 stars; one submission).

Submission:

GeneDx
Classification: Likely pathogenic. Last evaluated: 2016-12-08. Review status: criteria provided, single submitter. Criteria: GeneDx Variant Classification (06012015). Collection method: clinical testing. Allele origin: germline. Affected: yes.
Comment: A novel variant that is likely pathogenic has been identified in the SMARCA2 gene. The W1283C variant has not been published as a pathogenic variant, nor has it been reported as a benign variant to our knowledge. It is not observed in large population cohorts (Lek et al., 2016; 1000 Genomes Consortium et al., 2015; Exome Variant Server). The W1283C variant is a non-conservative amino acid substitution, which is likely to impact secondary protein structure as these residues differ in polarity, charge, size and/or other properties. This substitution occurs at a position that is conserved across species, and in silico analysis predicts this variant is probably damaging to the protein structure/function. Therefore, this variant is likely pathogenic.

NM_003070.5(SMARCA2):c.3849G>T (p.Trp1283Cys)

Gene: SMARCA2 (SWI/SNF related, matrix associated, actin dependent regulator of chromatin, subfamily a, member 2; plus strand). Cytogenetic location: 9p24.3.
Variant type: single nucleotide variant.
Coding change: c.3849G>T on transcript NM_003070.5 (MANE Select); coding-DNA position 3849, G replaced by T.
Protein change: p.Trp1283Cys; replaces tryptophan 1283 with cysteine.
Molecular consequence: missense variant.
Genome position (GRCh38, 1-based): chr9:2,123,805, G>T. VCF-style: chr9-2123805-G-T. GRCh37 (hg19) VCF-style: chr9-2123805-G-T.
Other names: c.3849G>T, p.Trp1283Cys (NM_001289396.2, NM_139045.4); c.3675G>T, p.Trp1225Cys (NM_001289397.2); short protein forms W1283C, W1225C.
Identifiers: ClinVar variation 373701 (VCV000373701.1), dbSNP rs1057518558, ClinGen allele CA16042775.